The following is an entry in ClinVar:

ClinVar aggregate classification (germline): Conflicting classifications of pathogenicity. Review status: criteria provided, conflicting classifications (1 of 4 stars). 3 submissions from 3 submitters: Likely pathogenic (1); Uncertain significance (2). Last evaluated 2026-06-02.

Conditions:
Overgrowth syndrome and/or cerebral malformations.
Inborn genetic diseases. Identifiers: MedGen C0950123, MeSH D030342.

Allele frequency attached by ClinVar (database versions not stated): gnomAD exomes below 0.00001; TOPMed below 0.00001.
gnomAD v4.1: 1 of 1,609,670 alleles (0.000062%); highest among the groups gnomAD compares: Non-Finnish European, 0.000085%; no homozygotes.

Submissions (3):

Ambry Genetics
Classification: Uncertain significance for Inborn genetic diseases. Last evaluated: 2026-06-02. Review status: criteria provided, single submitter. Criteria: Ambry Variant Classification Scheme 2023. Collection method: clinical testing. Allele origin: germline.
Comment: The c.1694C>T (p.P565L) alteration is located in exon 13 (coding exon 12) of the PIK3R2 gene. This alteration results from a C to T substitution at nucleotide position 1694, causing the proline (P) at amino acid position 565 to be replaced by a leucine (L). This variant was not reported in population-based cohorts in the Genome Aggregation Database (gnomAD). This variant was reported in individual(s) with features consistent with PIK3R2-related megalencephaly-polymicrogyria-polydactyly-hydrocephalus syndrome; in at least one individual, it was determined to be de novo (external communication). This amino acid position is highly conserved in available vertebrate species. The in silico prediction for this alteration is inconclusive. Based on insufficient or conflicting evidence, the clinical significance of this alteration remains unclear.

GeneDx
Classification: Likely pathogenic. Last evaluated: 2025-12-17. Review status: criteria provided, single submitter. Criteria: GeneDx Variant Classification Process June 2021. Collection method: clinical testing. Allele origin: germline.
Comment: Has not been previously published as pathogenic or benign to our knowledge; In silico analysis supports that this missense variant has a deleterious effect on protein structure/function

Clinical Genomics Laboratory, Washington University in St. Louis
Classification: Uncertain significance for Overgrowth syndrome and/or cerebral malformations. Last evaluated: 2025-05-28. Review status: criteria provided, single submitter. Criteria: Leon-Quintero et al. (Clin Genet. 2025). Collection method: clinical testing. Allele origin: somatic. Affected: yes.
Comment: A PIK3R2 c.1694C>T (p.Pro565Leu) variant was identified at an allelic fraction consistent with somatic origin. This variant, to our knowledge, has not been reported in the medical literature. This variant has been reported in the ClinVar database as a germline likely pathogenic variant by one submitter. This variant has been reported in three cases in the cancer database COSMIC (Genomic Mutation ID: COSV55847582). This variant is only observed in 1/1,609,670 alleles in the general population (gnomAD v4.1.0), indicating it is not a common variant. This variant resides within a sequence homology 2 domain, amino acids 328-716, of PIK3R2 that is defined as a critical functional domain (Lai A et al., PMID: 35997716). Computational predictors are uncertain as to the impact of this variant on PIK3R2 function. Due to limited information, and based on internally developed protocol informed by the ACMG/AMP guidelines for variant interpretation and gene-specific practices from the ClinGen Criteria Specification Registry (Leon-Quintero FZ et al., PMID: 39434542), the clinical significance of the PIK3R2 c.1694C>T (p.Pro565Leu) is uncertain at this time.

NM_005027.4(PIK3R2):c.1694C>T (p.Pro565Leu)

Gene: PIK3R2 (phosphoinositide-3-kinase regulatory subunit 2; plus strand). Cytogenetic location: 19p13.11.
Variant type: single nucleotide variant.
Coding change: c.1694C>T on transcript NM_005027.4 (MANE Select); coding-DNA position 1694, C replaced by T.
Protein change: p.Pro565Leu; replaces proline 565 with leucine.
Molecular consequence: missense variant. On other transcripts: non-coding transcript variant (2).
Genome position (GRCh38, 1-based): chr19:18,167,264, C>T. VCF-style: chr19-18167264-C-T. GRCh37 (hg19) VCF-style: chr19-18278074-C-T.
Other names: short protein forms P565L.
Identifiers: ClinVar variation 2446157 (VCV002446157.4), dbSNP rs1131691683, ClinGen allele CA404814317.